The following is an entry in ClinVar:

ClinVar aggregate classification (germline): Uncertain significance. Review status: criteria provided, multiple submitters, no conflicts (2 of 4 stars). 2 submissions from 2 submitters: Uncertain significance (2). Last evaluated 2026-07-20.

Conditions:
Dilated cardiomyopathy 1W (CMD1W). Identifiers: Orphanet 154, MedGen C1969639, MONDO:0012667, OMIM 611407.
Cardiovascular phenotype. Identifiers: MedGen CN230736.

Submissions (2):

Ambry Genetics
Classification: Uncertain significance for Cardiovascular phenotype. Last evaluated: 2026-07-20. Review status: criteria provided, single submitter. Criteria: Ambry Variant Classification Scheme 2023. Collection method: clinical testing. Allele origin: germline.

Labcorp Genetics (formerly Invitae), Labcorp
Classification: Uncertain significance for Dilated cardiomyopathy 1W. Last evaluated: 2024-10-30. Review status: criteria provided, single submitter. Criteria: Invitae Variant Classification Sherloc (09022015). Collection method: clinical testing. Allele origin: germline.
Comment: This sequence change replaces isoleucine, which is neutral and non-polar, with threonine, which is neutral and polar, at codon 1059 of the VCL protein (p.Ile1059Thr). This variant is not present in population databases (gnomAD no frequency). This variant has not been reported in the literature in individuals affected with VCL-related conditions. An algorithm developed to predict the effect of missense changes on protein structure and function (PolyPhen-2) suggests that this variant is likely to be disruptive. In summary, the available evidence is currently insufficient to determine the role of this variant in disease. Therefore, it has been classified as a Variant of Uncertain Significance.

NM_014000.3(VCL):c.3176T>C (p.Ile1059Thr)

Gene: VCL (vinculin; plus strand). Cytogenetic location: 10q22.2.
Variant type: single nucleotide variant.
Coding change: c.3176T>C on transcript NM_014000.3 (MANE Select); coding-DNA position 3176, T replaced by C.
Protein change: p.Ile1059Thr; replaces isoleucine 1059 with threonine.
Molecular consequence: missense variant.
Genome position (GRCh38, 1-based): chr10:74,114,817, T>C. VCF-style: chr10-74114817-T-C. GRCh37 (hg19) VCF-style: chr10-75874575-T-C.
Other names: c.2972T>C, p.Ile991Thr (NM_003373.4); short protein forms I991T, I1059T.
Identifiers: ClinVar variation 3670948 (VCV003670948.4).